The following is an entry in ClinVar:

ClinVar aggregate classification (germline): Uncertain significance. Review status: criteria provided, multiple submitters, no conflicts (2 of 4 stars). 2 submissions from 2 submitters: Uncertain significance (2). Last evaluated 2026-08-03.

Conditions:
Fanconi anemia (FA). Also called: Fanconi's anemia. Identifiers: Orphanet 84, MedGen C0015625, MeSH D005199, MONDO:0019391.
Inborn genetic diseases. Identifiers: MedGen C0950123, MeSH D030342.

Allele frequency attached by ClinVar (database versions not stated): gnomAD exomes below 0.00001; ExAC 0.00001.
gnomAD v4.1: 3 of 1,614,250 alleles (0.00019%); highest among the groups gnomAD compares: Admixed American, 0.0017%; no homozygotes.

Submissions (2):

Ambry Genetics
Classification: Uncertain significance for Inborn genetic diseases. Last evaluated: 2026-08-03. Review status: criteria provided, single submitter. Criteria: Ambry Variant Classification Scheme 2023. Collection method: clinical testing. Allele origin: germline.
Comment: The p.L883V variant (also known as c.2647C>G), located in coding exon 28 of the FANCA gene, results from a C to G substitution at nucleotide position 2647. The leucine at codon 883 is replaced by valine, an amino acid with highly similar properties. This amino acid position is conserved. In addition, this alteration is predicted to be tolerated by in silico analysis. Based on the available evidence, the clinical significance of this variant remains unclear.

Labcorp Genetics (formerly Invitae), Labcorp
Classification: Uncertain significance for Fanconi anemia. Last evaluated: 2023-09-27. Review status: criteria provided, single submitter. Criteria: Invitae Variant Classification Sherloc (09022015). Collection method: clinical testing. Allele origin: germline.
Comment: This sequence change replaces leucine, which is neutral and non-polar, with valine, which is neutral and non-polar, at codon 883 of the FANCA protein (p.Leu883Val). This variant is present in population databases (rs761524155, gnomAD 0.003%). This variant has not been reported in the literature in individuals affected with FANCA-related conditions. Advanced modeling of protein sequence and biophysical properties (such as structural, functional, and spatial information, amino acid conservation, physicochemical variation, residue mobility, and thermodynamic stability) performed at Invitae indicates that this missense variant is not expected to disrupt FANCA protein function. In summary, the available evidence is currently insufficient to determine the role of this variant in disease. Therefore, it has been classified as a Variant of Uncertain Significance.

NM_000135.4(FANCA):c.2647C>G (p.Leu883Val)

Genes: FANCA (FA complementation group A; minus strand), LOC130059837 (ATAC-STARR-seq lymphoblastoid active region 11420; plus strand). Cytogenetic location: 16q24.3.
Variant type: single nucleotide variant.
Coding change: c.2647C>G on transcript NM_000135.4 (MANE Select); coding-DNA position 2647, C replaced by G.
Protein change: p.Leu883Val; replaces leucine 883 with valine.
Molecular consequence: missense variant.
Genome position (GRCh38, 1-based): chr16:89,765,021, G>C on the plus strand (C>G on the coding strand, the complement: FANCA is on the minus strand). VCF-style: chr16-89765021-G-C. GRCh37 (hg19) VCF-style: chr16-89831429-G-C.
Other names: c.2647C>G, p.Leu883Val (NM_001286167.3); short protein forms L883V.
Identifiers: ClinVar variation 2977554 (VCV002977554.4), dbSNP rs761524155, ClinGen allele CA8251604.